The following is an entry in ClinVar:

ClinVar aggregate classification (germline): Pathogenic. Review status: criteria provided, multiple submitters, no conflicts (2 of 4 stars). 5 submissions from 5 submitters: Pathogenic (5). Last evaluated 2026-01-26.

Conditions:
Autosomal dominant Alport syndrome (ATS3A). Also called: Alport syndrome dominant type; Renal failure and sensorineural hearing loss; ALPORT SYNDROME 3A, AUTOSOMAL DOMINANT. Identifiers: Orphanet 63, Orphanet 88918, MedGen C5882663, MONDO:0007086, OMIM 104200.
Autosomal recessive Alport syndrome (ATS2). Also called: COL4A4 Alport Syndrome and Thin Basement Membrane Nephropathy; Alport syndrome type 2; COL4A3-Related Nephropathy; ALPORT SYNDROME 2, AUTOSOMAL RECESSIVE. Identifiers: Orphanet 63, Orphanet 88919, MedGen C4746745, MONDO:0008762, OMIM 203780.
Benign familial hematuria. Also called: thin basement membrane disease. Identifiers: MedGen C0241908, MONDO:0957317.
Alport syndrome. Also called: Hemorrhagic familial nephritis; Hemorrhagic hereditary nephritis; Congenital hereditary hematuria. Identifiers: Orphanet 63, MedGen C1567741, MONDO:0018965.

Submissions (5):

Medical and Scientific Branch, Hong Kong Genome Institute
Classification: Pathogenic for Autosomal dominant Alport syndrome. Last evaluated: 2026-01-26. Review status: criteria provided, single submitter. Criteria: ACMG Guidelines, 2015. Collection method: clinical testing. Allele origin: unknown. Affected: yes.

Labcorp Genetics (formerly Invitae), Labcorp
Classification: Pathogenic. Last evaluated: 2025-10-26. Review status: criteria provided, single submitter. Criteria: Invitae Variant Classification Sherloc (09022015). Collection method: clinical testing. Allele origin: germline.
Comment: This sequence change replaces glycine, which is neutral and non-polar, with glutamic acid, which is acidic and polar, at codon 1207 of the COL4A3 protein (p.Gly1207Glu). This variant is not present in population databases (gnomAD no frequency). This missense change has been observed in individual(s) with Alport syndrome (PMID: 11134255, 31328266). In at least one individual the data is consistent with being in trans (on the opposite chromosome) from a pathogenic variant. It has also been observed to segregate with disease in related individuals. ClinVar contains an entry for this variant (Variation ID: 447172). Invitae Evidence Modeling of protein sequence and biophysical properties (such as structural, functional, and spatial information, amino acid conservation, physicochemical variation, residue mobility, and thermodynamic stability) indicates that this missense variant is expected to disrupt COL4A3 protein function with a positive predictive value of 80%. This variant disrupts the p.Gly1207 amino acid residue in COL4A3. Other variant(s) that disrupt this residue have been determined to be pathogenic (PMID: 22887978; internal data). This suggests that this residue is clinically significant, and that variants that disrupt this residue are likely to be disease-causing. For these reasons, this variant has been classified as Pathogenic.

Myriad Genetics, Inc.
Classification: Pathogenic for Alport syndrome. Last evaluated: 2025-03-14. Review status: criteria provided, single submitter. Criteria: Myriad Autosomal Dominant, Autosomal Recessive and X-Linked Classification Criteria (2023). Collection method: clinical testing. Allele origin: unknown.
Comment: NM_000091.4(COL4A3):c.3620G>A(G1207E) is a missense variant classified as pathogenic in the context of Alport syndrome, COL4A3-related. G1207E has been observed in cases with relevant disease (PMID: 11134255, 31328266). Relevant functional assessments of this variant are not available in the literature. Internal structural analysis of the variant is supportive of pathogenicity. G1207E has not been observed in referenced population frequency databases. In summary, NM_000091.4(COL4A3):c.3620G>A(G1207E) is a missense variant that has internal structural support for pathogenicity and has been observed more frequently in cases with the relevant disease than in healthy populations. Please note: this variant was assessed in the context of healthy population screening.

Fulgent Genetics
Classification: Pathogenic for Autosomal dominant Alport syndrome; Hematuria, benign familial, 1; Autosomal recessive Alport syndrome. Last evaluated: 2021-11-30. Review status: criteria provided, single submitter. Criteria: ACMG Guidelines, 2015. Collection method: clinical testing. Allele origin: unknown.

Athena Diagnostics
Classification: Pathogenic. Last evaluated: 2016-11-08. Review status: criteria provided, single submitter. Criteria: Athena Diagnostics Criteria. Collection method: clinical testing. Allele origin: germline.

Literature cited by the submitters: PubMed 11134255 (cited by 3 submitters); PubMed 31328266 (cited by Labcorp Genetics (formerly Invitae), Labcorp and Myriad Genetics, Inc.); PubMed 22887978 (cited by Labcorp Genetics (formerly Invitae), Labcorp).

NM_000091.5(COL4A3):c.3620G>A (p.Gly1207Glu)

Genes: MFF-DT (MFF divergent transcript; minus strand), COL4A3 (collagen type IV alpha 3 chain; plus strand). Cytogenetic location: 2q36.3.
Variant type: single nucleotide variant.
Coding change: c.3620G>A on transcript NM_000091.5 (MANE Select); coding-DNA position 3620, G replaced by A.
Protein change: p.Gly1207Glu; replaces glycine 1207 with glutamic acid.
Molecular consequence: missense variant.
Genome position (GRCh38, 1-based): chr2:227,297,728, G>A. VCF-style: chr2-227297728-G-A. GRCh37 (hg19) VCF-style: chr2-228162444-G-A.
Other names: short protein forms G1207E.
Identifiers: ClinVar variation 447172 (VCV000447172.6), dbSNP rs1553764136, ClinGen allele CA350860023.